The following is an entry in ClinVar:

NM_003072.5(SMARCA4):c.4112C>T (p.Ser1371Phe)

Gene: SMARCA4 (SWI/SNF related BAF chromatin remodeling complex subunit ATPase 4; plus strand). Cytogenetic location: 19p13.2.
Variant type: single nucleotide variant.
Coding change: c.4112C>T on transcript NM_003072.5 (MANE Select); coding-DNA position 4112, C replaced by T.
Protein change: p.Ser1371Phe; replaces serine 1371 with phenylalanine.
Molecular consequence: missense variant. On other transcripts: non-coding transcript variant (1).
Genome position (GRCh38, 1-based): chr19:11,035,074, C>T. VCF-style: chr19-11035074-C-T. GRCh37 (hg19) VCF-style: chr19-11145750-C-T.
Other names: c.4112C>T, p.Ser1371Phe (NM_001128844.3, NM_001128849.3, NM_001387283.1); c.4013C>T, p.Ser1338Phe (NM_001128845.2, NM_001128846.2, NM_001128847.4 and 2 more transcripts); short protein forms S1371F, S1338F.
Identifiers: ClinVar variation 486493 (VCV000486493.14), dbSNP rs1555785467, ClinGen allele CA404068406.

ClinVar aggregate classification (germline): Uncertain significance. Review status: criteria provided, multiple submitters, no conflicts (2 of 4 stars). 2 submissions from 2 submitters: Uncertain significance (2). Last evaluated 2024-10-29.

Conditions:
Hereditary cancer-predisposing syndrome. Also called: Tumor predisposition; Hereditary Cancer Syndrome; Hereditary neoplastic syndrome; Neoplastic Syndromes, Hereditary. Identifiers: Orphanet 140162, MedGen C0027672, MeSH D009386, MONDO:0015356.
Rhabdoid tumor predisposition syndrome 2 (RTPS2). Identifiers: Orphanet 231108, Orphanet 69077, MedGen C2750074, MONDO:0013224, OMIM 613325.

Allele frequency attached by ClinVar (database versions not stated): gnomAD exomes below 0.00001.
gnomAD v4.1: 2 of 1,612,974 alleles (0.00012%); highest among the groups gnomAD compares: Non-Finnish European, 0.00017%; no homozygotes.

Submissions (2):

Ambry Genetics
Classification: Uncertain significance for Hereditary cancer-predisposing syndrome. Last evaluated: 2024-10-29. Review status: criteria provided, single submitter. Criteria: Ambry Variant Classification Scheme 2023. Collection method: clinical testing. Allele origin: germline.
Comment: The p.S1371F variant (also known as c.4112C>T), located in coding exon 28 of the SMARCA4 gene, results from a C to T substitution at nucleotide position 4112. The serine at codon 1371 is replaced by phenylalanine, an amino acid with highly dissimilar properties. This amino acid position is highly conserved in available vertebrate species. In addition, this alteration is predicted to be deleterious by in silico analysis. Since supporting evidence is limited at this time, the clinical significance of this alteration remains unclear.

Labcorp Genetics (formerly Invitae), Labcorp
Classification: Uncertain significance for Rhabdoid tumor predisposition syndrome 2. Last evaluated: 2024-09-18. Review status: criteria provided, single submitter. Criteria: Invitae Variant Classification Sherloc (09022015). Collection method: clinical testing. Allele origin: germline.
Comment: This sequence change replaces serine, which is neutral and polar, with phenylalanine, which is neutral and non-polar, at codon 1371 of the SMARCA4 protein (p.Ser1371Phe). This variant is not present in population databases (gnomAD no frequency). This variant has not been reported in the literature in individuals affected with SMARCA4-related conditions. ClinVar contains an entry for this variant (Variation ID: 486493). Invitae Evidence Modeling of protein sequence and biophysical properties (such as structural, functional, and spatial information, amino acid conservation, physicochemical variation, residue mobility, and thermodynamic stability) indicates that this missense variant is expected to disrupt SMARCA4 protein function with a positive predictive value of 95%. In summary, the available evidence is currently insufficient to determine the role of this variant in disease. Therefore, it has been classified as a Variant of Uncertain Significance.